The following is an entry in ClinVar:

NM_145207.3(AFG2A):c.388C>T (p.Gln130Ter)

Gene: AFG2A (AFG2 AAA ATPase homolog A; plus strand). Cytogenetic location: 4q28.1.
Variant type: single nucleotide variant.
Coding change: c.388C>T on transcript NM_145207.3 (MANE Select); coding-DNA position 388, C replaced by T.
Protein change: p.Gln130Ter; replaces glutamine 130 with a stop codon.
Molecular consequence: nonsense.
Genome position (GRCh38, 1-based): chr4:122,929,139, C>T. VCF-style: chr4-122929139-C-T. GRCh37 (hg19) VCF-style: chr4-123850294-C-T.
Other names: c.385C>T, p.Gln129Ter (NM_001317799.2, NM_001345856.2); short protein forms Q130*, Q129*.
Identifiers: ClinVar variation 620157 (VCV000620157.3), dbSNP rs1560786479, ClinGen allele CA358100063.

ClinVar aggregate classification (germline): Pathogenic (1 of 4 stars; one submission).

Allele frequency attached by ClinVar (database versions not stated): gnomAD exomes below 0.00001.
gnomAD v4.1: 2 of 1,613,176 alleles (0.00012%); highest among the groups gnomAD compares: South Asian, 0.0011%; no homozygotes.

Submission:

GeneDx
Classification: Pathogenic. Last evaluated: 2023-11-05. Review status: criteria provided, single submitter. Criteria: GeneDx Variant Classification Process June 2021. Collection method: clinical testing. Allele origin: germline. Affected: yes.
Comment: Identified in one patient with schizophrenia from a large cohort in published literature, although additional clinical information was not provided (PMID: 26039597); Nonsense variant predicted to result in protein truncation or nonsense mediated decay in a gene for which loss of function is a known mechanism of disease; Not observed at significant frequency in large population cohorts (gnomAD); This variant is associated with the following publications: (PMID: 26039597)